The following is an entry in ClinVar:

NM_000263.4(NAGLU):c.1927C>T (p.Arg643Cys)

Gene: NAGLU (N-acetyl-alpha-glucosaminidase; plus strand). Cytogenetic location: 17q21.2.
Variant type: single nucleotide variant.
Coding change: c.1927C>T on transcript NM_000263.4 (MANE Select); coding-DNA position 1927, C replaced by T.
Protein change: p.Arg643Cys; replaces arginine 643 with cysteine.
Molecular consequence: missense variant.
Genome position (GRCh38, 1-based): chr17:42,543,933, C>T. VCF-style: chr17-42543933-C-T. GRCh37 (hg19) VCF-style: chr17-40695951-C-T.
Other names: short protein forms R643C.
Identifiers: ClinVar variation 1565 (VCV000001565.26), dbSNP rs104894594, ClinGen allele CA115048.

ClinVar aggregate classification (germline): Pathogenic. Review status: criteria provided, multiple submitters, no conflicts (2 of 4 stars). 12 submissions from 12 submitters: Pathogenic (7). 5 of the submissions do not count toward it. Last evaluated 2026-01-16.

Conditions:
Charcot-Marie-Tooth disease axonal type 2V. Also called: CHARCOT-MARIE-TOOTH NEUROPATHY, TYPE 2V; CHARCOT-MARIE-TOOTH DISEASE, AXONAL, AUTOSOMAL DOMINANT, TYPE 2V. Identifiers: Orphanet 447964, MedGen C5569050, MONDO:0014665, OMIM 616491.
Mucopolysaccharidosis, MPS-III-B (MPS3B). Also called: MPS III B; Mucopolysaccharidosis type IIIB (Sanfilippo B); SANFILIPPO SYNDROME B; MUCOPOLYSACCHARIDOSIS, TYPE IIIB; MPS IIIB (Sanfilippo Syndrome Type B); N-ACETYL-ALPHA-D-GLUCOSAMINIDASE DEFICIENCY. Identifiers: Orphanet 79270, MedGen C0086648, MONDO:0009656, OMIM 252920.
Mucopolysaccharidosis. Also called: Mucopolysaccharidoses. Identifiers: Orphanet 79213, MedGen C0026703, MeSH D009083, MONDO:0019249.

Allele frequency attached by ClinVar (database versions not stated): gnomAD exomes below 0.00001 and 0.00001; TOPMed 0.00002; gnomAD 0.00001.
gnomAD v4.1: 9 of 1,608,150 alleles (0.00056%); highest among the groups gnomAD compares: East Asian, 0.0022%; no homozygotes.

Submissions (12):

Labcorp Genetics (formerly Invitae), Labcorp
Classification: Pathogenic for Charcot-Marie-Tooth disease axonal type 2V; Mucopolysaccharidosis, MPS-III-B. Last evaluated: 2026-01-16. Review status: criteria provided, single submitter. Criteria: Invitae Variant Classification Sherloc (09022015). Collection method: clinical testing. Allele origin: germline.
Comment: This sequence change replaces arginine, which is basic and polar, with cysteine, which is neutral and slightly polar, at codon 643 of the NAGLU protein (p.Arg643Cys). The frequency data for this variant in the population databases is considered unreliable, as metrics indicate poor data quality at this position in the gnomAD database. This missense change has been observed in individual(s) with mucopolysaccharidosis type III (PMID: 10094189, 18218046, 20852935, 26907177). ClinVar contains an entry for this variant (Variation ID: 1565). Invitae Evidence Modeling of protein sequence and biophysical properties (such as structural, functional, and spatial information, amino acid conservation, physicochemical variation, residue mobility, and thermodynamic stability) indicates that this missense variant is expected to disrupt NAGLU protein function with a positive predictive value of 95%. For these reasons, this variant has been classified as Pathogenic.

Variantyx, Inc.
Classification: Pathogenic for Mucopolysaccharidosis, MPS-III-B. Last evaluated: 2025-12-17. Review status: criteria provided, single submitter. Criteria: Variantyx Assertion Criteria 2022. Collection method: clinical testing. Allele origin: germline. Inheritance: Autosomal recessive inheritance. Affected: no.
Comment: This is a nonsynonymous variant in the NAGLU gene (OMIM: 609701). Pathogenic variants in this gene have been associated with autosomal recessive mucopolysaccharidosis type IIIB. This variant has been identified in the homozygous or compound heterozygous state in at least 6 individuals reported in the published literature (PMID: 10094189, 18218046, 20852935, 26907177) (PM3). Multiple computational algorithms predict a deleterious effect for this variant (REVEL score: 0.924) (PP3). This variant has a 0.0022% maximum allele frequency in non-founder control populations (PM2). Based on the current evidence, this variant is classified as pathogenic for autosomal recessive mucopolysaccharidosis type IIIB. Of note, the NAGLU gene has a provisional association with autosomal dominant Charcot-Marie-Tooth disease, axonal type 2V (PMID:25818867).

Natera, Inc.
Classification: Pathogenic for Mucopolysaccharidosis type IIIB. Last evaluated: 2025-10-22. Review status: criteria provided, single submitter. Criteria: Natera Variant Classification Schema (03/2026). Collection method: clinical testing. Allele origin: germline.
Comment: The c.1927C>T variant in NAGLU is a missense variant predicted to cause substitution of arginine to cysteine at amino acid 643. This variant is rare in the general population with a frequency below the threshold expected for the associated phenotype(s). This variant has been observed in one or more individuals affected with the associated recessive disease, as either homozygous or compound heterozygous with a second variant (PMID: 26907177, 20852935, 18218046, 31718697). Additionally, this variant has been observed to segregate in affected family members (PMID: 26907177). Functional studies show that this variant may disrupt protein function (PMID: 26907177). Computational prediction algorithms indicate this variant is likely to affect gene or protein function. Given the available evidence, this variant is classified as Pathogenic.

GeneDx
Classification: Pathogenic. Last evaluated: 2025-06-10. Review status: criteria provided, single submitter. Criteria: GeneDx Variant Classification Process June 2021. Collection method: clinical testing. Allele origin: germline. Affected: yes.
Comment: Published functional studies that the variant has a deleterious effect on enzymatic activity (PMID: 29979746); Not observed at significant frequency in large population cohorts (gnomAD); In silico analysis supports that this missense variant has a deleterious effect on protein structure/function; This variant is associated with the following publications: (PMID: 31589614, 10094189, 28751108, 18218046, 26907177, 34917281, 31718697, 29979746, 20852935)

Victorian Clinical Genetics Services, Murdoch Childrens Research Institute
Classification: Pathogenic for Mucopolysaccharidosis, MPS-III-B. Last evaluated: 2023-07-17. Review status: criteria provided, single submitter. Criteria: ACMG Guidelines, 2015. Collection method: clinical testing. Allele origin: germline. Inheritance: Autosomal recessive inheritance. Affected: yes.
Comment: Based on the classification scheme VCGS_Germline_v1.3.4, this variant is classified as Pathogenic. Following criteria are met: 0102 - Loss of function is a known mechanism of disease in this gene and is associated with Mucopolysaccharidosis type IIIB (Sanfilippo B) (MIM#252920). The mechanism for Charcot-Marie-Tooth disease, axonal, type 2V (CMT; MIM#616491) is unclear. (I) 0108 - This gene is associated with both recessive and dominant disease; however, the dominant association to CMT is not well established (PanelApp, OMIM). (I) 0200 - Variant is predicted to result in a missense amino acid change from arginine to cysteine. (I) 0251 - This variant is heterozygous. (I) 0304 - Variant is present in gnomAD (v2, v3) <0.01 for a recessive condition (2 heterozygotes, 0 homozygotes). (SP) 0501 - Missense variant consistently predicted to be damaging by multiple in silico tools or highly conserved with a major amino acid change. (SP) 0600 - Variant is located in the annotated NAGLU C-terminal domain (NCBI). (I) 0801 - This variant has strong previous evidence of pathogenicity in unrelated individuals. This variant has been reported as pathogenic multiple times, and observed in both homozygous and compound heterozygous individuals with Sanfilippo type B syndrome (ClinVar, PMID: 10094189, PMID: 20852935). (SP) 0902 - This variant has moderate evidence for segregation with disease (PMID: 20852935). (SP) 1001 - This variant has strong functional evidence supporting abnormal protein function. This variant has been proven to cause reductions in enzyme activity (PMID: 28751108, PMID: 26907177). (SP) 1208 - Inheritance information for this variant is not currently available in this individual. (I) Legend: (SP) - Supporting pathogenic, (I) - Information, (SB) - Supporting benign

Women's Health and Genetics/Laboratory Corporation of America, LabCorp
Classification: Pathogenic for Mucopolysaccharidosis, MPS-III-B. Last evaluated: 2022-12-08. Review status: criteria provided, single submitter. Criteria: LabCorp Variant Classification Summary - May 2015. Collection method: clinical testing. Allele origin: germline.
Comment: Variant summary: NAGLU c.1927C>T (p.Arg643Cys) results in a non-conservative amino acid change located in the Alpha-N-acetylglucosaminidase, C-terminal domain (IPR024732) of the encoded protein sequence. Five of five in-silico tools predict a damaging effect of the variant on protein function. The variant allele was found at a frequency of 4.2e-06 in 238074 control chromosomes. c.1927C>T has been reported in the literature in multiple homozygous and compound heterozygous individuals affected with Mucopolysaccharidosis Type IIIB (Sanfilippo Syndrome B), and was shown to segregate with disease within families (Valstar_2010, Meijer_2016). These data indicate that the variant is very likely to be associated with disease. At least one publication reports experimental evidence evaluating an impact on protein function, showing <10% of normal NAGLU activity in fibroblasts cells with the variant (Meijer_2017). Two laboratories have submitted clinical-significance assessments for this variant to ClinVar after 2014 without evidence for independent evaluation. Both classified the variant as pathogenic. Based on the evidence outlined above, the variant was classified as pathogenic.

Revvity Omics, Revvity
Classification: Pathogenic. Last evaluated: 2020-12-07. Review status: criteria provided, single submitter. Criteria: ACMG Guidelines, 2015. Collection method: clinical testing. Allele origin: germline.

OMIM
Classification: Pathogenic for MUCOPOLYSACCHARIDOSIS, TYPE IIIB. Last evaluated: 1999-01-01. Review status: no assertion criteria provided. Collection method: literature only. Allele origin: germline. Not counted in ClinVar's aggregate classification.

Clinical Genetics DNA and cytogenetics Diagnostics Lab, Erasmus MC, Erasmus Medical Center
Classification: Pathogenic. Review status: no assertion criteria provided. Collection method: clinical testing. Allele origin: germline. Affected: yes. Study: VKGL Data-share Consensus. Not counted in ClinVar's aggregate classification.

GeneReviews
No classification provided. Condition: Mucopolysaccharidosis. Review status: no classification provided. Collection method: literature only. Allele origin: germline. Not counted in ClinVar's aggregate classification.

Genome Diagnostics Laboratory, Amsterdam University Medical Center
Classification: Pathogenic. Review status: no assertion criteria provided. Collection method: clinical testing. Allele origin: germline. Affected: yes. Study: VKGL Data-share Consensus. Not counted in ClinVar's aggregate classification.

Joint Genome Diagnostic Labs from Nijmegen and Maastricht, Radboudumc and MUMC+
Classification: Likely pathogenic. Review status: no assertion criteria provided. Collection method: clinical testing. Allele origin: germline. Affected: yes. Study: VKGL Data-share Consensus. Not counted in ClinVar's aggregate classification.

Literature cited by the submitters: PubMed 10094189 (cited by 4 submitters); PubMed 18218046 (cited by 3 submitters); PubMed 20852935 (cited by 6 submitters); PubMed 26907177 (cited by 5 submitters); PubMed 31718697 (cited by Natera, Inc.); PubMed 28751108 (cited by Victorian Clinical Genetics Services, Murdoch Childrens Research Institute and Women's Health and Genetics/Laboratory Corporation of America, LabCorp); PubMed 31536183 (cited by GeneReviews).